The following is an entry in ClinVar:

ClinVar aggregate classification (germline): Benign/Likely benign. Review status: criteria provided, multiple submitters, no conflicts (2 of 4 stars). 5 submissions from 5 submitters: Benign (4); Likely benign (1). Last evaluated 2026-02-02.

Conditions:
X-linked intellectual disability, van Esch type. Also called: MENTAL RETARDATION, X-LINKED, SYNDROMIC, VAN ESCH-O''DRISCOLL TYPE; Van Esch-O'Driscoll syndrome. Identifiers: Orphanet 163976, MedGen C4305072, MONDO:0015601, OMIM 301030.
X-linked reticulate pigmentary disorder. Also called: Pigmentary disorder, reticulate, with systemic manifestations, X-linked. Identifiers: Orphanet 85453, MedGen C1845050, MONDO:0010523, OMIM 301220.

Allele frequency attached by ClinVar (database versions not stated): 1000 Genomes Project 30x 0.00208; 1000 Genomes Project 0.00212; TOPMed 0.00917; gnomAD exomes 0.00919 and 0.01599; ExAC 0.00942; gnomAD 0.00949 and 0.00965; ESP Exome Variant Server 0.01042.
gnomAD v4.1: 18,486 of 1,208,528 alleles (1.5%); highest among the groups gnomAD compares: Non-Finnish European, 1.9%; 109 homozygotes.

Submissions (5):

Labcorp Genetics (formerly Invitae), Labcorp
Classification: Benign. Last evaluated: 2026-02-02. Review status: criteria provided, single submitter. Criteria: Invitae Variant Classification Sherloc (09022015). Collection method: clinical testing. Allele origin: germline.

Women's Health and Genetics/Laboratory Corporation of America, LabCorp
Classification: Benign. Last evaluated: 2026-01-22. Review status: criteria provided, single submitter. Criteria: LabCorp Variant Classification Summary - May 2015. Collection method: clinical testing. Allele origin: germline.

Mayo Clinic Laboratories, Mayo Clinic
Classification: Benign. Last evaluated: 2023-11-17. Review status: criteria provided, single submitter. Criteria: ACMG Guidelines, 2015. Collection method: clinical testing. Allele origin: germline. Observed: 10 variant alleles.
Comment: BS1, BS2, BP4, BP7

Fulgent Genetics
Classification: Likely benign for X-linked intellectual disability, van Esch type; X-linked reticulate pigmentary disorder. Last evaluated: 2021-12-16. Review status: criteria provided, single submitter. Criteria: ACMG Guidelines, 2015. Collection method: clinical testing. Allele origin: unknown.

Breakthrough Genomics
Classification: Benign. Review status: criteria provided, single submitter. Criteria: ACMG Guidelines, 2015. Collection method: not provided. Allele origin: germline. Inheritance: X-linked inheritance. Affected: yes.

NM_001330360.2(POLA1):c.4356C>T (p.Tyr1452=)

Gene: POLA1 (DNA polymerase alpha 1, catalytic subunit; plus strand). Cytogenetic location: Xp21.3.
Variant type: single nucleotide variant.
Coding change: c.4356C>T on transcript NM_001330360.2 (MANE Select); coding-DNA position 4356, C replaced by T.
Protein change: p.Tyr1452=; no amino-acid change (tyrosine 1452 retained).
Molecular consequence: synonymous variant.
Genome position (GRCh38, 1-based): chrX:24,995,899, C>T. VCF-style: chrX-24995899-C-T. GRCh37 (hg19) VCF-style: chrX-25014016-C-T.
Other names: p.Tyr1446=; c.4338C>T, p.Tyr1446= (NM_016937.4).
Identifiers: ClinVar variation 719273 (VCV000719273.15), dbSNP rs11573531, ClinGen allele CA10373741.